The following is an entry in ClinVar:

NM_001038.6(SCNN1A):c.-28T>C

Gene: SCNN1A (sodium channel epithelial 1 subunit alpha; minus strand). Cytogenetic location: 12p13.31.
Variant type: single nucleotide variant.
Coding change: c.-28T>C on transcript NM_001038.6 (MANE Select); 28 bases upstream of the start codon, T replaced by C.
Molecular consequence: 5 prime UTR variant. On other transcripts: synonymous variant (2).
Genome position (GRCh38, 1-based): chr12:6,374,811, A>G on the plus strand (T>C on the coding strand, the complement: SCNN1A is on the minus strand). VCF-style: chr12-6374811-A-G. GRCh37 (hg19) VCF-style: chr12-6483977-A-G.
Other names: c.42T>C, p.Pro14= (NM_001159575.2); c.150T>C, p.Pro50= (NM_001159576.2).
Identifiers: ClinVar variation 227058 (VCV000227058.11), dbSNP rs61759919, ClinGen allele CA6406338.

ClinVar aggregate classification (germline): Benign/Likely benign. Review status: criteria provided, multiple submitters, no conflicts (2 of 4 stars). 5 submissions from 4 submitters: Benign (4); Likely benign (1). Last evaluated 2021-05-16.

Conditions:
Bronchiectasis with or without elevated sweat chloride 2 (BESC2). Identifiers: Orphanet 60033, MedGen C2751666, MONDO:0013087, OMIM 613021.
Pseudohypoaldosteronism, type IB1, autosomal recessive. Also called: Pseudohypoaldosteronism, Type I, Autosomal Recessive; PHA I, AUTOSOMAL RECESSIVE; Pseudohypoaldosteronism, Type I, Recessive; Autosomal recessive pseudohypoaldosteronism type 1. Identifiers: Orphanet 171876, Orphanet 756, MedGen C5774176, MONDO:0009917, OMIM 264350.

Allele frequency attached by ClinVar (database versions not stated): ExAC 0.00204; gnomAD 0.00623 and 0.00673; gnomAD exomes 0.00057 and 0.00166; TOPMed 0.00656; ESP Exome Variant Server 0.00707; 1000 Genomes Project 0.00759; 1000 Genomes Project 30x 0.00765.
gnomAD v4.1: 1,808 of 1,613,806 alleles (0.11%); highest among the groups gnomAD compares: African/African-American, 2.2%; 15 homozygotes.

Submissions (5):

GeneDx
Classification: Likely benign. Last evaluated: 2021-05-16. Review status: criteria provided, single submitter. Criteria: GeneDx Variant Classification Process June 2021. Collection method: clinical testing. Allele origin: germline. Affected: yes.
Comment: See Variant Classification Assertion Criteria.

Illumina Laboratory Services, Illumina
Classification: Benign for Bronchiectasis with or without elevated sweat chloride 2. Last evaluated: 2018-01-12. Review status: criteria provided, single submitter. Criteria: ICSL Variant Classification Criteria 13 December 2019. Collection method: clinical testing. Allele origin: germline.
Comment: This variant was observed in the ICSL laboratory as part of a predisposition screen in an ostensibly healthy population. It had not been previously curated by ICSL or reported in the Human Gene Mutation Database (HGMD: prior to June 1st, 2018), and was therefore a candidate for classification through an automated scoring system. Utilizing variant allele frequency, disease prevalence and penetrance estimates, and inheritance mode, an automated score was calculated to assess if this variant is too frequent to cause the disease. Based on the score and internal cut-off values, a variant classified as benign is not then subjected to further curation. The score for this variant resulted in a classification of benign for this disease.

Illumina Laboratory Services, Illumina
Classification: Benign for Pseudohypoaldosteronism, type IB1, autosomal recessive. Last evaluated: 2018-01-12. Review status: criteria provided, single submitter. Criteria: ICSL Variant Classification Criteria 13 December 2019. Collection method: clinical testing. Allele origin: germline.
Comment: the same text as in the submission from Illumina Laboratory Services, Illumina above.

Laboratory for Molecular Medicine, Mass General Brigham Personalized Medicine
Classification: Benign. Last evaluated: 2013-02-21. Review status: criteria provided, single submitter. Criteria: LMM Criteria. Collection method: clinical testing. Allele origin: germline. Observed: 2 variant alleles.
Comment: Pro50Pro in exon 1 of SCNN1A: This variant is not expected to have clinical sign ificance because it does not alter an amino acid residue and is not located with in the splice consensus sequence. It has been identified in 2.1% (92/4406) of Af rican American chromosomes from a broad population by the NHLBI Exome Sequencing Project (dbSNP rs61759919).

Breakthrough Genomics
Classification: Benign. Review status: criteria provided, single submitter. Criteria: ACMG Guidelines, 2015. Collection method: not provided. Allele origin: germline. Inheritance: Autosomal recessive inheritance. Affected: yes.